The following is an entry in ClinVar:

NM_024675.4(PALB2):c.871G>T (p.Ala291Ser)

Gene: PALB2 (partner and localizer of BRCA2; minus strand). Cytogenetic location: 16p12.2.
Variant type: single nucleotide variant.
Coding change: c.871G>T on transcript NM_024675.4 (MANE Select); coding-DNA position 871, G replaced by T.
Protein change: p.Ala291Ser; replaces alanine 291 with serine.
Molecular consequence: missense variant.
Genome position (GRCh38, 1-based): chr16:23,635,675, C>A on the plus strand (G>T on the coding strand, the complement: PALB2 is on the minus strand). VCF-style: chr16-23635675-C-A. GRCh37 (hg19) VCF-style: chr16-23646996-C-A.
Other names: c.811G>T, p.Ala271Ser (NM_001407296.1); c.871G>T, p.Ala291Ser (NM_001407297.1, NM_001407298.1, NM_001407299.1 and 3 more transcripts); c.-15G>T (NM_001407304.1, NM_001407305.1, NM_001407306.1 and 5 more transcripts); short protein forms A291S, A271S.
Identifiers: ClinVar variation 1764443 (VCV001764443.2), dbSNP rs878855124, ClinGen allele CA395135783.

ClinVar aggregate classification (germline): Uncertain significance (1 of 4 stars; one submission).

Conditions:
Hereditary cancer-predisposing syndrome. Also called: Neoplastic Syndromes, Hereditary; Tumor predisposition; Hereditary Cancer Syndrome; Hereditary neoplastic syndrome. Identifiers: Orphanet 140162, MedGen C0027672, MeSH D009386, MONDO:0015356.

Submission:

Ambry Genetics
Classification: Uncertain significance for Hereditary cancer-predisposing syndrome. Last evaluated: 2022-10-03. Review status: criteria provided, single submitter. Criteria: Ambry Variant Classification Scheme 2023. Collection method: clinical testing. Allele origin: germline.
Comment: The p.A291S variant (also known as c.871G>T), located in coding exon 4 of the PALB2 gene, results from a G to T substitution at nucleotide position 871. The alanine at codon 291 is replaced by serine, an amino acid with similar properties. This amino acid position is conserved. In addition, this alteration is predicted to be tolerated by in silico analysis. Since supporting evidence is limited at this time, the clinical significance of this alteration remains unclear.